The following is an entry in ClinVar:

ClinVar aggregate classification (germline): Uncertain significance (1 of 4 stars; one submission).

Conditions:
Hereditary cancer-predisposing syndrome. Also called: Neoplastic Syndromes, Hereditary; Tumor predisposition; Hereditary Cancer Syndrome; Hereditary neoplastic syndrome. Identifiers: Orphanet 140162, MedGen C0027672, MeSH D009386, MONDO:0015356.

gnomAD v4.1: 1 of 1,614,246 alleles (0.000062%); highest among the groups gnomAD compares: Non-Finnish European, 0.000085%; no homozygotes.

Submission:

Ambry Genetics
Classification: Uncertain significance for Hereditary cancer-predisposing syndrome. Last evaluated: 2021-10-13. Review status: criteria provided, single submitter. Criteria: Ambry Variant Classification Scheme 2023. Collection method: clinical testing. Allele origin: germline.
Comment: The p.T59S variant (also known as c.175A>T), located in coding exon 2 of the KIT gene, results from an A to T substitution at nucleotide position 175. The threonine at codon 59 is replaced by serine, an amino acid with similar properties. This amino acid position is conserved. In addition, this alteration is predicted to be tolerated by in silico analysis. Since supporting evidence is limited at this time, the clinical significance of this alteration remains unclear.

NM_000222.3(KIT):c.175A>T (p.Thr59Ser)

Gene: KIT (KIT proto-oncogene, receptor tyrosine kinase; plus strand). Cytogenetic location: 4q12.
Variant type: single nucleotide variant.
Coding change: c.175A>T on transcript NM_000222.3 (MANE Select); coding-DNA position 175, A replaced by T.
Protein change: p.Thr59Ser; replaces threonine 59 with serine.
Molecular consequence: missense variant.
Genome position (GRCh38, 1-based): chr4:54,695,619, A>T. VCF-style: chr4-54695619-A-T. GRCh37 (hg19) VCF-style: chr4-55561785-A-T.
Other names: c.175A>T, p.Thr59Ser (NM_001093772.2, NM_001385284.1, NM_001385285.1 and 4 more transcripts); short protein forms T59S.
Identifiers: ClinVar variation 1779544 (VCV001779544.2), dbSNP rs747004948, ClinGen allele CA356896990.